The following is an entry in ClinVar:

NM_001369.3(DNAH5):c.10351T>A (p.Leu3451Met)

Gene: DNAH5 (dynein axonemal heavy chain 5; minus strand). Cytogenetic location: 5p15.2.
Variant type: single nucleotide variant.
Coding change: c.10351T>A on transcript NM_001369.3 (MANE Select); coding-DNA position 10351, T replaced by A.
Protein change: p.Leu3451Met; replaces leucine 3451 with methionine.
Molecular consequence: missense variant.
Genome position (GRCh38, 1-based): chr5:13,758,914, A>T on the plus strand (T>A on the coding strand, the complement: DNAH5 is on the minus strand). VCF-style: chr5-13758914-A-T. GRCh37 (hg19) VCF-style: chr5-13759023-A-T.
Other names: short protein forms L3451M.
Identifiers: ClinVar variation 3503504 (VCV003503504.1).

ClinVar aggregate classification (germline): Uncertain significance (1 of 4 stars; one submission).

Conditions:
Primary ciliary dyskinesia. Also called: Ciliary dyskinesia. Identifiers: Orphanet 244, MedGen C0008780, MONDO:0016575, HP:0012265.

gnomAD v4.1: 25 of 1,613,780 alleles (0.0015%); highest among the groups gnomAD compares: Non-Finnish European, 0.0019%; no homozygotes.

Submission:

Ambry Genetics
Classification: Uncertain significance for Primary ciliary dyskinesia. Last evaluated: 2024-09-24. Review status: criteria provided, single submitter. Criteria: Ambry Variant Classification Scheme 2023. Collection method: clinical testing. Allele origin: germline.
Comment: The p.L3451M variant (also known as c.10351T>A), located in coding exon 61 of the DNAH5 gene, results from a T to A substitution at nucleotide position 10351. The leucine at codon 3451 is replaced by methionine, an amino acid with highly similar properties. This amino acid position is conserved. In addition, the in silico prediction for this alteration is inconclusive. Based on the available evidence, the clinical significance of this variant remains unclear.